The following is an entry in ClinVar:

NM_000268.4(NF2):c.364-5T>C

Gene: NF2 (NF2, moesin-ezrin-radixin like (MERLIN) tumor suppressor; plus strand). Cytogenetic location: 22q12.2.
Variant type: single nucleotide variant.
Coding change: c.364-5T>C on transcript NM_000268.4 (MANE Select); 5 bases into the intron before coding-DNA position 364, T replaced by C.
Molecular consequence: intron variant.
Genome position (GRCh38, 1-based): chr22:29,642,197, T>C. VCF-style: chr22-29642197-T-C. GRCh37 (hg19) VCF-style: chr22-30038186-T-C.
Other names: c.364-5T>C (NM_016418.5, NM_181832.3, NM_181833.3 and 1 more transcripts); c.241-5T>C (NM_181829.3); c.238-5T>C (NM_181828.3); c.115-5T>C (NM_181830.3, NM_181831.3).
Identifiers: ClinVar variation 824025 (VCV000824025.16), dbSNP rs1330676517, ClinGen allele CA752292749.
Genomic context (GRCh38, chr22:29,642,197, plus strand): 5'-GTGATCAGCCTACACACCTCACTTCCACTCACAGAGTATCATGTCTCCCTTGTTGCTCCT[T>C]TCAGGTAAAGAAGCAGATTTTAGATGAAAAGATCTACTGCCCTCCTGAGGCTTCTGTGCT-3'

ClinVar aggregate classification (germline): Likely benign. Review status: criteria provided, multiple submitters, no conflicts (2 of 4 stars). 4 submissions from 4 submitters: Likely benign (4). Last evaluated 2026-06-29.

Conditions:
Hereditary cancer-predisposing syndrome. Also called: Tumor predisposition; Hereditary neoplastic syndrome; Neoplastic Syndromes, Hereditary; Hereditary Cancer Syndrome. Identifiers: Orphanet 140162, MedGen C0027672, MeSH D009386, MONDO:0015356.
Neurofibromatosis, type 2 (SWNV). Also called: SCHWANNOMATOSIS, VESTIBULAR; NF2-Related Schwannomatosis; BILATERAL ACOUSTIC NEUROFIBROMATOSIS. Identifiers: Orphanet 637, MedGen C0027832, MONDO:0007039, OMIM 101000. Disease mechanism: loss of function.

Allele frequency attached by ClinVar (database versions not stated): TOPMed below 0.00001; gnomAD 0.00001; gnomAD exomes 0.00001.
gnomAD v4.1: 17 of 1,613,236 alleles (0.0011%); highest among the groups gnomAD compares: Non-Finnish European, 0.0014%; no homozygotes.

Submissions (4):

Ambry Genetics
Classification: Likely benign for Hereditary cancer-predisposing syndrome. Last evaluated: 2026-06-29. Review status: criteria provided, single submitter. Criteria: Ambry Variant Classification Scheme 2023. Collection method: clinical testing. Allele origin: germline.

Labcorp Genetics (formerly Invitae), Labcorp
Classification: Likely benign for Neurofibromatosis, type 2. Last evaluated: 2025-12-24. Review status: criteria provided, single submitter. Criteria: Invitae Variant Classification Sherloc (09022015). Collection method: clinical testing. Allele origin: germline.

All of Us Research Program, National Institutes of Health
Classification: Likely benign for Neurofibromatosis, type 2. Last evaluated: 2023-10-23. Review status: criteria provided, single submitter. Criteria: ACMG Guidelines, 2015. Collection method: clinical testing. Allele origin: germline. Inheritance: Autosomal dominant inheritance. Observed: 1 variant allele, 1 heterozygote.
Comment: This study involves interpretation of variants in research participants for the purpose of population health screening. Participant phenotype was not available at the time of variant classification. Additional details can be found in publication PMID: 35346344, PMCID: PMC8962531

Color Diagnostics, LLC DBA Color Health
Classification: Likely benign for Neurofibromatosis, type 2. Last evaluated: 2023-10-06. Review status: criteria provided, single submitter. Criteria: ACMG Guidelines, 2015. Collection method: clinical testing. Allele origin: germline.